The following is an entry in ClinVar:

ClinVar aggregate classification (germline): Pathogenic (1 of 4 stars; one submission).

Submission:

Labcorp Genetics (formerly Invitae), Labcorp
Classification: Pathogenic. Last evaluated: 2025-10-30. Review status: criteria provided, single submitter. Criteria: Invitae Variant Classification Sherloc (09022015). Collection method: clinical testing. Allele origin: germline.
Comment: This sequence change creates a premature translational stop signal (p.Gln22Argfs*124) in the WFS1 gene. It is expected to result in an absent or disrupted protein product. Loss-of-function variants in WFS1 are known to be pathogenic (PMID: 12955714). This variant is not present in population databases (gnomAD no frequency). This variant has not been reported in the literature in individuals affected with WFS1-related conditions. ClinVar contains an entry for this variant (Variation ID: 2806199). For these reasons, this variant has been classified as Pathogenic.

Literature cited by the submitters: PubMed 12955714.

NM_006005.3(WFS1):c.57_64dup (p.Gln22fs)

Gene: WFS1 (wolframin ER transmembrane glycoprotein; plus strand). Cytogenetic location: 4p16.1.
Variant type: Duplication.
Coding change: c.57_64dup on transcript NM_006005.3 (MANE Select); coding-DNA positions 57 to 64, 8 bases duplicated (GCAGCCCC; older notation c.57_64dupGCAGCCCC).
Protein change: p.Gln22fs; shifts the reading frame from glutamine 22.
Molecular consequence: frameshift variant.
Genome position (GRCh38, 1-based): chr4:6,277,512-6,277,519, GCAGCCCC duplicated; duplicating any 8 consecutive bases within chr4:6,277,510-6,277,519 gives the same sequence; the c. name uses the placement nearest the transcript's 3' end. VCF-style (leftmost placement, unchanged base first): chr4-6277509-A-ACCGCAGCC. GRCh37 (hg19) VCF-style: chr4-6279236-A-ACCGCAGCC.
Other names: c.57_64dup, p.Gln22fs (NM_001145853.1); short protein forms Q22fs.
Identifiers: ClinVar variation 2806199 (VCV002806199.3), dbSNP rs2474157346, ClinGen allele CA2739270013.